The following is an entry in ClinVar:

NM_001267550.2(TTN):c.60932G>C (p.Arg20311Pro)

Genes: TTN (titin; minus strand), TTN-AS1 (TTN antisense RNA 1; plus strand). Cytogenetic location: 2q31.2.
Variant type: single nucleotide variant.
Coding change: c.60932G>C on transcript NM_001267550.2 (MANE Select); coding-DNA position 60932, G replaced by C.
Protein change: p.Arg20311Pro; replaces arginine 20311 with proline.
Molecular consequence: missense variant.
Genome position (GRCh38, 1-based): chr2:178,590,793, C>G on the plus strand (G>C on the coding strand, the complement: TTN is on the minus strand). VCF-style: chr2-178590793-C-G. GRCh37 (hg19) VCF-style: chr2-179455520-C-G.
Other names: c.56009G>C, p.Arg18670Pro (NM_001256850.1); c.33737G>C, p.Arg11246Pro (NM_003319.4); c.53228G>C, p.Arg17743Pro (NM_133378.4); c.34112G>C, p.Arg11371Pro (NM_133432.3); c.34313G>C, p.Arg11438Pro (NM_133437.4); short protein forms R11246P, R11371P, R11438P, R17743P, R18670P, R20311P.
Identifiers: ClinVar variation 4077239 (VCV004077239.1).

ClinVar aggregate classification (germline): Uncertain significance (1 of 4 stars; one submission).

gnomAD v4.1: 2 of 1,607,360 alleles (0.00012%); highest among the groups gnomAD compares: Non-Finnish European, 0.00017%; no homozygotes.

Submission:

GeneDx
Classification: Uncertain significance. Last evaluated: 2025-02-27. Review status: criteria provided, single submitter. Criteria: GeneDx Variant Classification Process June 2021. Collection method: clinical testing. Allele origin: germline. Affected: yes.
Comment: Not observed at significant frequency in large population cohorts (gnomAD); Has not been previously published as pathogenic or benign to our knowledge